The following is an entry in ClinVar:

ClinVar aggregate classification (germline): Uncertain significance (1 of 4 stars; one submission).

Allele frequency attached by ClinVar (database versions not stated): TOPMed below 0.00001; ExAC 0.00001; gnomAD exomes 0.00001.
gnomAD v4.1: 8 of 1,613,874 alleles (0.0005%); highest among the groups gnomAD compares: Middle Eastern, 0.033%; no homozygotes.

Submission:

Ambry Genetics
Classification: Uncertain significance. Last evaluated: 2024-11-03. Review status: criteria provided, single submitter. Criteria: Ambry Variant Classification Scheme 2023. Collection method: clinical testing. Allele origin: germline.
Comment: The p.R146H variant (also known as c.437G>A), located in coding exon 5 of the BUB1 gene, results from a G to A substitution at nucleotide position 437. The arginine at codon 146 is replaced by histidine, an amino acid with highly similar properties. This amino acid position is conserved. In addition, the in silico prediction for this alteration is inconclusive. Since supporting evidence is limited at this time, the clinical significance of this alteration remains unclear.

NM_004336.5(BUB1):c.437G>A (p.Arg146His)

Gene: BUB1 (BUB1 mitotic checkpoint serine/threonine kinase; minus strand). Cytogenetic location: 2q13.
Variant type: single nucleotide variant.
Coding change: c.437G>A on transcript NM_004336.5 (MANE Select); coding-DNA position 437, G replaced by A.
Protein change: p.Arg146His; replaces arginine 146 with histidine.
Molecular consequence: missense variant.
Genome position (GRCh38, 1-based): chr2:110,670,554, C>T on the plus strand (G>A on the coding strand, the complement: BUB1 is on the minus strand). VCF-style: chr2-110670554-C-T. GRCh37 (hg19) VCF-style: chr2-111428131-C-T.
Other names: c.377G>A, p.Arg126His (NM_001278616.2); c.437G>A, p.Arg146His (NM_001278617.2); short protein forms R126H, R146H.
Identifiers: ClinVar variation 1740148 (VCV001740148.3), dbSNP rs759283101, ClinGen allele CA1828356.
Genomic context (GRCh38, chr2:110,670,554, plus strand): 5'-ACAACAGGCATTTTAGAAAGCCTGATTTTACCTTGAGCTGGCAAATGGGTTTCAGTGAGG[C>T]GTGTCTGAAATAACCTAAATGACAGCAGAAAAGGCATCAATGTAGATTATAAACTTACAG-3'
Protein context (NP_004327.1, residues 136-156): LQQQYRLFQT[Arg146His]LTETHLPAQA